The following is an entry in ClinVar:

NM_001465.6(FYB1):c.29C>G (p.Pro10Arg)

Gene: FYB1 (FYN binding protein 1; minus strand). Cytogenetic location: 5p13.1.
Variant type: single nucleotide variant.
Coding change: c.29C>G on transcript NM_001465.6 (MANE Select); coding-DNA position 29, C replaced by G.
Protein change: p.Pro10Arg; replaces proline 10 with arginine.
Molecular consequence: missense variant.
Genome position (GRCh38, 1-based): chr5:39,202,932, G>C on the plus strand (C>G on the coding strand, the complement: FYB1 is on the minus strand). VCF-style: chr5-39202932-G-C. GRCh37 (hg19) VCF-style: chr5-39203034-G-C.
Other names: c.59C>G, p.Pro20Arg (NM_001243093.2, NM_018594.2); c.29C>G, p.Pro10Arg (NM_001349333.2, NM_199335.5); short protein forms P10R, P20R.
Identifiers: ClinVar variation 3358285 (VCV003358285.1).

ClinVar aggregate classification (germline): Uncertain significance (0 of 4 stars; one submission).

Conditions:
FYB1-related disorder. Also called: FYB1-related condition.

gnomAD v4.1: 6 of 1,613,840 alleles (0.00037%); highest among the groups gnomAD compares: Middle Eastern, 0.017%; no homozygotes.

Submission:

PreventionGenetics, part of Exact Sciences
Classification: Uncertain significance for FYB1-related condition. Last evaluated: 2024-08-15. Review status: no assertion criteria provided. Collection method: clinical testing. Allele origin: germline.
Comment: The FYB1 c.59C>G variant is predicted to result in the amino acid substitution p.Pro20Arg. To our knowledge, this variant has not been reported in the literature. This variant is reported in 0.00088% of alleles in individuals of European (Non-Finnish) descent in gnomAD. At this time, the clinical significance of this variant is uncertain due to the absence of conclusive functional and genetic evidence.